The following is an entry in ClinVar:

NM_206933.4(USH2A):c.440C>A (p.Ser147Ter)

Gene: USH2A (usherin; minus strand). Cytogenetic location: 1q41.
Variant type: single nucleotide variant.
Coding change: c.440C>A on transcript NM_206933.4 (MANE Select); coding-DNA position 440, C replaced by A.
Protein change: p.Ser147Ter; replaces serine 147 with a stop codon.
Molecular consequence: nonsense.
Genome position (GRCh38, 1-based): chr1:216,421,897, G>T on the plus strand (C>A on the coding strand, the complement: USH2A is on the minus strand). VCF-style: chr1-216421897-G-T. GRCh37 (hg19) VCF-style: chr1-216595239-G-T.
Other names: c.440C>A, p.Ser147Ter (NM_007123.6); short protein forms S147*.
Identifiers: ClinVar variation 4817121 (VCV004817121.1).

ClinVar aggregate classification (germline): Likely pathogenic (1 of 4 stars; one submission).

Conditions:
Usher syndrome type 2A. Also called: RETINAL DISEASE IN USHER SYNDROME TYPE IIA, MODIFIER OF; USHER SYNDROME, TYPE IIA. Identifiers: Orphanet 231178, Orphanet 886, MedGen C1848634, MONDO:0010169, OMIM 276901.

Submission:

Natera, Inc.
Classification: Likely pathogenic for Usher syndrome type 2A. Last evaluated: 2024-03-16. Review status: criteria provided, single submitter. Criteria: Natera Variant Classification Schema (03/2026). Collection method: clinical testing. Allele origin: germline.
Comment: The c.440C>A variant in USH2A is a nonsense variant predicted to introduce a stop codon at amino acid 147. This variant is expected to result in nonsense mediated decay, truncation, or a dysfunctional protein product. This variant is rare in the general population with a frequency below the threshold expected for the associated phenotype(s). Given the available evidence, this variant is classified as Likely Pathogenic.